The following is an entry in ClinVar:

ClinVar aggregate classification (germline): Likely pathogenic (1 of 4 stars; one submission).

Conditions:
KBG syndrome (KBGS). Also called: ANKRD11-Related KBG Syndrome. Identifiers: Orphanet 2332, MedGen C0220687, MONDO:0007846, OMIM 148050.

Submission:

Randwick Genomics Laboratory, Prince of Wales Hospital Sydney, Australia, New South Wales Health Pathology
Classification: Likely pathogenic for KBG syndrome. Last evaluated: 2023-02-08. Review status: criteria provided, single submitter. Criteria: ACMG Guidelines, 2015. Collection method: clinical testing. Allele origin: de novo. Inheritance: Autosomal dominant inheritance. Affected: yes.
Comment: A heterozygous 2 base pair deletion has been identified in ankyrin repeat domain-containing protein 11 (ANKRD11). The protein product of this gene interacts with the p160 nuclear receptor to inhibit transcription activation [PMID 15184363]. There are multiple reports of loss of function variants in ANKRD11 causing KBG syndrome, with a phenotype of intellectual disability, macrodontia of upper incisors, craniofacial anomalies and skeletal anomalies with short stature [PMID: 28449295]. The heterozygous ANKRD11:c.4140_4141del is a two base pair deletion leading to the formation of a premature termination codon at position 1380 - p.(Tyr1380*). This nonsense variant is predicted to lead to nonsense mediated mRNA decay or a truncated or absent protein. The ANKRD11:c.4140_4141del has not been previously reported in the ClinVar database or medical literature, and is absent from the normal population database gnomAD. ACMG Classification - the ANKRD11:c.4140_4141del is categorised as LIKELY PATHOGENIC as it has the following characteristics: PVS1 - nonsense variant that is predicted to undergo NMD PM2_supporting- absent from gnomAD

NM_013275.6(ANKRD11):c.4140_4141del (p.Tyr1380_Lys1381delinsTer)

Gene: ANKRD11 (ankyrin repeat domain 11; minus strand). Cytogenetic location: 16q24.3.
Variant type: Deletion.
Coding change: c.4140_4141del on transcript NM_013275.6 (MANE Select); coding-DNA positions 4140 to 4141, 2 bases deleted (CA; older notation c.4140_4141delCA).
Protein change: p.Tyr1380_Lys1381delinsTer.
Molecular consequence: nonsense.
Genome position (GRCh38, 1-based): chr16:89,282,401-89,282,402, TG deleted on the plus strand (CA on the coding strand, the reverse complement: ANKRD11 is on the minus strand); deleting any 2 consecutive bases within chr16:89,282,401-89,282,403 gives the same sequence; the c. name uses the placement nearest the transcript's 3' end. VCF-style (leftmost placement, unchanged base first): chr16-89282400-TTG-T. GRCh37 (hg19) VCF-style: chr16-89348808-TTG-T.
Other names: c.4140_4141del, p.Tyr1380_Lys1381delinsTer (NM_001256182.2, NM_001256183.2).
Identifiers: ClinVar variation 2682157 (VCV002682157.1), dbSNP rs2544234122, ClinGen allele CA2697556088.
Genomic context (GRCh38, chr16:89,282,400, plus strand): 5'-GCATCCGCCTCCAGGAAGTCCTTTTCGTACTGGCCGGAGTCCTTCCTGCTACCGCCCTCC[TTG>T]TAATCTTCGCCCTTCTCTTTCTTCTCGGCCTTCTCTTTCTTGGCTCGCTCTCGGTCGTGG-3'